The following is an entry in ClinVar:

ClinVar aggregate classification (germline): Uncertain significance. Review status: criteria provided, multiple submitters, no conflicts (2 of 4 stars). 6 submissions from 6 submitters: Uncertain significance (6). Last evaluated 2025-06-09.

Conditions:
Glycogen storage disease due to muscle and heart glycogen synthase deficiency. Also called: MUSCLE GLYCOGEN SYNTHASE DEFICIENCY; GSD 0b. Identifiers: Orphanet 137625, MedGen C1969054, MONDO:0012693, OMIM 611556.
Inborn genetic diseases. Identifiers: MedGen C0950123, MeSH D030342.

Allele frequency attached by ClinVar (database versions not stated): gnomAD 0.00011; TOPMed 0.00013; ExAC 0.00016; gnomAD exomes 0.00023.
gnomAD v4.1: 355 of 1,613,704 alleles (0.022%); highest among the groups gnomAD compares: Non-Finnish European, 0.028%; no homozygotes.

Submissions (6):

Ambry Genetics
Classification: Uncertain significance for Inborn genetic diseases. Last evaluated: 2025-06-09. Review status: criteria provided, single submitter. Criteria: Ambry Variant Classification Scheme 2023. Collection method: clinical testing. Allele origin: germline.

Mayo Clinic Laboratories, Mayo Clinic
Classification: Uncertain significance. Last evaluated: 2025-02-01. Review status: criteria provided, single submitter. Criteria: ACMG Guidelines, 2015. Collection method: clinical testing. Allele origin: germline. Observed: 1 variant allele.

GeneDx
Classification: Uncertain significance. Last evaluated: 2024-11-12. Review status: criteria provided, single submitter. Criteria: GeneDx Variant Classification Process June 2021. Collection method: clinical testing. Allele origin: germline. Affected: yes.
Comment: In silico analysis indicates that this missense variant does not alter protein structure/function; Has not been previously published as pathogenic or benign to our knowledge

Blueprint Genetics
Classification: Uncertain significance. Last evaluated: 2023-09-22. Review status: criteria provided, single submitter. Criteria: ACMG Guidelines, 2015. Collection method: clinical testing. Allele origin: germline.

Labcorp Genetics (formerly Invitae), Labcorp
Classification: Uncertain significance for Glycogen storage disease due to muscle and heart glycogen synthase deficiency. Last evaluated: 2022-07-19. Review status: criteria provided, single submitter. Criteria: Invitae Variant Classification Sherloc (09022015). Collection method: clinical testing. Allele origin: germline.
Comment: This sequence change replaces asparagine, which is neutral and polar, with serine, which is neutral and polar, at codon 374 of the GYS1 protein (p.Asn374Ser). This variant is present in population databases (rs200672892, gnomAD 0.02%). This variant has not been reported in the literature in individuals affected with GYS1-related conditions. ClinVar contains an entry for this variant (Variation ID: 585159). Algorithms developed to predict the effect of missense changes on protein structure and function are either unavailable or do not agree on the potential impact of this missense change (SIFT: "Tolerated"; PolyPhen-2: "Probably Damaging"; Align-GVGD: "Class C0"). In summary, the available evidence is currently insufficient to determine the role of this variant in disease. Therefore, it has been classified as a Variant of Uncertain Significance.

Illumina Laboratory Services, Illumina
Classification: Uncertain significance for Glycogen storage disease due to muscle and heart glycogen synthase deficiency. Last evaluated: 2018-01-12. Review status: criteria provided, single submitter. Criteria: ICSL Variant Classification Criteria 13 December 2019. Collection method: clinical testing. Allele origin: germline.

NM_002103.5(GYS1):c.1121A>G (p.Asn374Ser)

Gene: GYS1 (glycogen synthase 1; minus strand). Cytogenetic location: 19q13.33.
Variant type: single nucleotide variant.
Coding change: c.1121A>G on transcript NM_002103.5 (MANE Select); coding-DNA position 1121, A replaced by G.
Protein change: p.Asn374Ser; replaces asparagine 374 with serine.
Molecular consequence: missense variant. On other transcripts: non-coding transcript variant (1).
Genome position (GRCh38, 1-based): chr19:48,981,578, T>C on the plus strand (A>G on the coding strand, the complement: GYS1 is on the minus strand). VCF-style: chr19-48981578-T-C. GRCh37 (hg19) VCF-style: chr19-49484835-T-C.
Other names: p.Asn374Ser; c.929A>G, p.Asn310Ser (NM_001161587.2); short protein forms N374S, N310S.
Identifiers: ClinVar variation 585159 (VCV000585159.20), dbSNP rs200672892, ClinGen allele CA9563083.